The following is an entry in ClinVar:

ClinVar aggregate classification (germline): Uncertain significance (1 of 4 stars; one submission).

Allele frequency attached by ClinVar (database versions not stated): ExAC 0.00002; TOPMed 0.00003; gnomAD exomes 0.00004; gnomAD 0.00005.

Submission:

Labcorp Genetics (formerly Invitae), Labcorp
Classification: Uncertain significance. Last evaluated: 2022-04-21. Review status: criteria provided, single submitter. Criteria: Invitae Variant Classification Sherloc (09022015). Collection method: clinical testing. Allele origin: germline.
Comment: This sequence change replaces valine, which is neutral and non-polar, with methionine, which is neutral and non-polar, at codon 950 of the EIF2AK3 protein (p.Val950Met). This variant is present in population databases (rs755647253, gnomAD 0.003%). This variant has not been reported in the literature in individuals affected with EIF2AK3-related conditions. Algorithms developed to predict the effect of missense changes on protein structure and function are either unavailable or do not agree on the potential impact of this missense change (SIFT: "Tolerated"; PolyPhen-2: "Possibly Damaging"; Align-GVGD: "Class C0"). In summary, the available evidence is currently insufficient to determine the role of this variant in disease. Therefore, it has been classified as a Variant of Uncertain Significance.

NM_004836.7(EIF2AK3):c.2848G>A (p.Val950Met)

Genes: EIF2AK3 (eukaryotic translation initiation factor 2 alpha kinase 3; minus strand), EIF2AK3-AS1 (EIF2AK3 antisense RNA 1; plus strand). Cytogenetic location: 2p11.2.
Variant type: single nucleotide variant.
Coding change: c.2848G>A on transcript NM_004836.7 (MANE Select); coding-DNA position 2848, G replaced by A.
Protein change: p.Val950Met; replaces valine 950 with methionine.
Molecular consequence: missense variant.
Genome position (GRCh38, 1-based): chr2:88,571,011, C>T on the plus strand (G>A on the coding strand, the complement: EIF2AK3 is on the minus strand). VCF-style: chr2-88571011-C-T. GRCh37 (hg19) VCF-style: chr2-88870529-C-T.
Other names: c.2395G>A, p.Val799Met (NM_001313915.2); short protein forms V950M, V799M.
Identifiers: ClinVar variation 1986889 (VCV001986889.1), dbSNP rs755647253, ClinGen allele CA1754379.
Genomic context (GRCh38, chr2:88,571,011, plus strand): 5'-TCTGCTCTTCCTCATCCTGGTCCATTGCAGTCACTAACCCAAAGTCTCCAACCTTGACCA[C>T]ATCATCCATTGTAAAGAATATGTTGGATGGCTGGAAAGAATACAACAGACAAAAGTACAG-3'
Protein context (NP_004827.4, residues 940-960): PSNIFFTMDD[Val950Met]VKVGDFGLVT